The following is an entry in ClinVar:

NM_032638.5(GATA2):c.1223A>G (p.Lys408Arg)

Gene: GATA2 (GATA binding protein 2; minus strand). Cytogenetic location: 3q21.3.
Variant type: single nucleotide variant.
Coding change: c.1223A>G on transcript NM_032638.5 (MANE Select); coding-DNA position 1223, A replaced by G.
Protein change: p.Lys408Arg; replaces lysine 408 with arginine.
Molecular consequence: missense variant.
Genome position (GRCh38, 1-based): chr3:128,481,239, T>C on the plus strand (A>G on the coding strand, the complement: GATA2 is on the minus strand). VCF-style: chr3-128481239-T-C. GRCh37 (hg19) VCF-style: chr3-128200082-T-C.
Other names: c.1223A>G, p.Lys408Arg (NM_001145661.2); c.1181A>G, p.Lys394Arg (NM_001145662.1); c.1223A>G (NM_032638.4); short protein forms K394R, K408R.
Identifiers: ClinVar variation 1059355 (VCV001059355.10), dbSNP rs2107667997, ClinGen allele CA354413089.

ClinVar aggregate classification (germline): Uncertain significance. Review status: criteria provided, multiple submitters, no conflicts (2 of 4 stars). 2 submissions from 2 submitters: Uncertain significance (2). Last evaluated 2026-01-14.

Conditions:
Inborn genetic diseases. Identifiers: MedGen C0950123, MeSH D030342.
Deafness-lymphedema-leukemia syndrome. Also called: Emberger syndrome; Lymphedema, primary, with myelodysplasia. Identifiers: Orphanet 3226, MedGen C3279664, MONDO:0013540, OMIM 614038.
Monocytopenia with susceptibility to infections. Also called: GATA2 DEFICIENCY; IMMUNODEFICIENCY 21; MONOCYTOPENIA AND MYCOBACTERIAL INFECTION SYNDROME; MONOCYTOPENIA WITH SUSCEPTIBILITY TO MYCOBACTERIAL, FUNGAL, AND PAPILLOMAVIRUS INFECTIONS AND MYELODYSPLASIA; COMBINED IMMUNODEFICIENCY WITH SUSCEPTIBILITY TO MYCOBACTERIAL, VIRAL, AND FUNGAL INFECTIONS; Dendritic cell, monocyte, B lymphocyte, and natural killer lymphocyte deficiency. Identifiers: Orphanet 228423, MedGen C3280030, MONDO:0013607, OMIM 614172.

gnomAD v4.1: 1 of 1,614,230 alleles (0.000062%); no homozygotes.

Submissions (2):

Labcorp Genetics (formerly Invitae), Labcorp
Classification: Uncertain significance for Monocytopenia with susceptibility to infections; Deafness-lymphedema-leukemia syndrome. Last evaluated: 2026-01-14. Review status: criteria provided, single submitter. Criteria: Invitae Variant Classification Sherloc (09022015). Collection method: clinical testing. Allele origin: germline.
Comment: This sequence change replaces lysine, which is basic and polar, with arginine, which is basic and polar, at codon 408 of the GATA2 protein (p.Lys408Arg). This variant is not present in population databases (gnomAD no frequency). This variant has not been reported in the literature in individuals affected with GATA2-related conditions. ClinVar contains an entry for this variant (Variation ID: 1059355). Invitae Evidence Modeling of protein sequence and biophysical properties (such as structural, functional, and spatial information, amino acid conservation, physicochemical variation, residue mobility, and thermodynamic stability) has been performed for this missense variant. However, the output from this modeling did not meet the statistical confidence thresholds required to predict the impact of this variant on GATA2 protein function. In summary, the available evidence is currently insufficient to determine the role of this variant in disease. Therefore, it has been classified as a Variant of Uncertain Significance.

Ambry Genetics
Classification: Uncertain significance for Inborn genetic diseases. Last evaluated: 2025-02-01. Review status: criteria provided, single submitter. Criteria: Ambry Variant Classification Scheme 2023. Collection method: clinical testing. Allele origin: germline.
Comment: The p.K408R variant (also known as c.1223A>G), located in coding exon 5 of the GATA2 gene, results from an A to G substitution at nucleotide position 1223. The lysine at codon 408 is replaced by arginine, an amino acid with highly similar properties. This amino acid position is conserved. In addition, the in silico prediction for this alteration is inconclusive. Based on the available evidence, the clinical significance of this variant remains unclear.